The following is an entry in ClinVar:

ClinVar aggregate classification (germline): Uncertain significance (1 of 4 stars; one submission).

Conditions:
RPL13-related disorder. Also called: RPL13-related condition.

Submission:

PreventionGenetics, part of Exact Sciences
Classification: Uncertain significance for RPL13-related condition. Last evaluated: 2026-04-04. Review status: criteria provided, single submitter. Criteria: ACMG Guidelines, 2015. Collection method: clinical testing. Allele origin: germline.
Comment: The RPL13 c.339C>A variant is predicted to result in the amino acid substitution p.Asn113Lys. To our knowledge, this variant has not been reported in the literature or in a large population database (gnomAD), indicating this variant is rare. At this time, the clinical significance of this variant is uncertain due to the absence of conclusive functional and genetic evidence.

NM_000977.4(RPL13):c.339C>A (p.Asn113Lys)

Gene: RPL13 (ribosomal protein L13; plus strand). Cytogenetic location: 16q24.3.
Variant type: single nucleotide variant.
Coding change: c.339C>A on transcript NM_000977.4 (MANE Select); coding-DNA position 339, C replaced by A.
Protein change: p.Asn113Lys; replaces asparagine 113 with lysine.
Molecular consequence: missense variant. On other transcripts: intron variant (1).
Genome position (GRCh38, 1-based): chr16:89,561,670, C>A. VCF-style: chr16-89561670-C-A. GRCh37 (hg19) VCF-style: chr16-89628078-C-A.
Other names: c.339C>A, p.Asn113Lys (NM_033251.2); c.268-70C>A (NM_001243131.1); short protein forms N113K.
Identifiers: ClinVar variation 5000689 (VCV005000689.1).